The following is an entry in ClinVar:

ClinVar aggregate classification (germline): Likely benign. Review status: criteria provided, single submitter (1 of 4 stars). 2 submissions from 2 submitters: Likely benign (1). 1 of the submissions does not count toward it. Last evaluated 2023-10-19.

Conditions:
DNAH11-related disorder. Also called: DNAH11-related condition.
Primary ciliary dyskinesia. Also called: Ciliary dyskinesia. Identifiers: Orphanet 244, MedGen C0008780, MONDO:0016575, HP:0012265.

Allele frequency attached by ClinVar (database versions not stated): gnomAD exomes below 0.00001; TOPMed 0.00001; ExAC 0.00002; gnomAD 0.00002.
gnomAD v4.1: 7 of 1,612,568 alleles (0.00043%); highest among the groups gnomAD compares: Non-Finnish European, 0.00059%; no homozygotes.

Submissions (2):

Labcorp Genetics (formerly Invitae), Labcorp
Classification: Likely benign for Primary ciliary dyskinesia. Last evaluated: 2023-10-19. Review status: criteria provided, single submitter. Criteria: Invitae Variant Classification Sherloc (09022015). Collection method: clinical testing. Allele origin: germline.

PreventionGenetics, part of Exact Sciences
Classification: Likely benign for DNAH11-related condition. Last evaluated: 2022-06-16. Review status: no assertion criteria provided. Collection method: clinical testing. Allele origin: germline. Not counted in ClinVar's aggregate classification.
Comment: This variant is classified as likely benign based on ACMG/AMP sequence variant interpretation guidelines (Richards et al. 2015 PMID: 25741868, with internal and published modifications).

NM_001277115.2(DNAH11):c.7845C>A (p.Ile2615=)

Gene: DNAH11 (dynein axonemal heavy chain 11; plus strand). Cytogenetic location: 7p15.3.
Variant type: single nucleotide variant.
Coding change: c.7845C>A on transcript NM_001277115.2 (MANE Select); coding-DNA position 7845, C replaced by A.
Protein change: p.Ile2615=; no amino-acid change (isoleucine 2615 retained).
Molecular consequence: synonymous variant.
Genome position (GRCh38, 1-based): chr7:21,739,604, C>A. VCF-style: chr7-21739604-C-A. GRCh37 (hg19) VCF-style: chr7-21779222-C-A.
Other names: c.7845C>A (NM_001277115.1); c.7866C>A, p.Ile2622= (NM_003777.3).
Identifiers: ClinVar variation 2767227 (VCV002767227.5), dbSNP rs767672159, ClinGen allele CA4181378.
Genomic context (GRCh38, chr7:21,739,604, plus strand): 5'-TTTAAGGTTCTGTTTTCTGTCTTTCAGGTATGATAGACAGAAGGTGATGCTTAAAGAAAT[C>A]CATAACTGCCAGTATGTCGCCTGCATGAATCCGATGGTGGGCAGCTTCACCATCAATCCC-3'
Protein context (NP_001264044.1, residues 2605-2625): YDRQKVMLKE[Ile2615=]HNCQYVACMN